The following is an entry in ClinVar:

NM_178138.6(LHX3):c.528C>G (p.Tyr176Ter)

Gene: LHX3 (LIM homeobox 3; minus strand). Cytogenetic location: 9q34.3.
Variant type: single nucleotide variant.
Coding change: c.528C>G on transcript NM_178138.6 (MANE Select); coding-DNA position 528, C replaced by G.
Protein change: p.Tyr176Ter; replaces tyrosine 176 with a stop codon.
Molecular consequence: nonsense.
Genome position (GRCh38, 1-based): chr9:136,198,986, G>C on the plus strand (C>G on the coding strand, the complement: LHX3 is on the minus strand). VCF-style: chr9-136198986-G-C. GRCh37 (hg19) VCF-style: chr9-139090832-G-C.
Other names: c.495C>G, p.Tyr165Ter (NM_001363746.1); c.543C>G, p.Tyr181Ter (NM_014564.5); short protein forms Y165*, Y176*, Y181*.
Identifiers: ClinVar variation 3630033 (VCV003630033.1).

ClinVar aggregate classification (germline): Pathogenic (1 of 4 stars; one submission).

Conditions:
Combined pituitary hormone deficiencies, genetic form. Also called: Pituitary hormone deficiency, combined. Identifiers: Orphanet 95494, MedGen C4273747, MONDO:0013099.

Submission:

Women's Health and Genetics/Laboratory Corporation of America, LabCorp
Classification: Pathogenic for Combined pituitary hormone deficiencies, genetic form. Last evaluated: 2024-11-18. Review status: criteria provided, single submitter. Criteria: LabCorp Variant Classification Summary - May 2015. Collection method: clinical testing. Allele origin: germline.
Comment: Variant summary: LHX3 c.543C>G (p.Tyr181X) results in a premature termination codon, predicted to cause a truncation of the encoded protein or absence of the protein due to nonsense mediated decay, which are commonly known mechanisms for disease. The frequency data for this variant in gnomAD is considered unreliable, as metrics indicate poor data quality at this position. To our knowledge, no occurrence of c.543C>G in individuals affected with Combined Pituitary Hormone Deficiency and no experimental evidence demonstrating its impact on protein function have been reported. No submitters have cited clinical-significance assessments for this variant to ClinVar. Based on the evidence outlined above, the variant was classified as pathogenic.